The following is an entry in ClinVar:

NM_000264.5(PTCH1):c.2569del (p.Asp857fs)

Gene: PTCH1 (patched 1; minus strand). Cytogenetic location: 9q22.32.
Variant type: Deletion.
Coding change: c.2569del on transcript NM_000264.5 (MANE Select); coding-DNA position 2569, one base deleted (G; older notation c.2569delG).
Protein change: p.Asp857fs; shifts the reading frame from aspartic acid 857.
Molecular consequence: frameshift variant. On other transcripts: non-coding transcript variant (1).
Genome position (GRCh38, 1-based): chr9:95,461,990, C deleted on the plus strand (G on the coding strand, the reverse complement: PTCH1 is on the minus strand); the first of 2 consecutive C bases (chr9:95,461,990-95,461,991); deleting either gives the same sequence. VCF-style (leftmost placement, unchanged base first): chr9-95461989-TC-T. GRCh37 (hg19) VCF-style: chr9-98224271-TC-T.
Other names: c.2371del, p.Asp791fs (NM_001083602.3); c.2566del, p.Asp856fs (NM_001083603.3); c.2116del, p.Asp706fs (NM_001083604.3, NM_001083605.3, NM_001083606.3 and 1 more transcripts); c.2413del, p.Asp805fs (NM_001354918.2); c.2569delG (NM_000264.5); short protein forms D791fs, D805fs, D857fs, D706fs, D856fs.
Identifiers: ClinVar variation 2730705 (VCV002730705.4), dbSNP rs2538095961, ClinGen allele CA2697557849.

ClinVar aggregate classification (germline): Pathogenic. Review status: criteria provided, multiple submitters, no conflicts (2 of 4 stars). 2 submissions from 2 submitters: Pathogenic (2). Last evaluated 2025-10-09.

Conditions:
Gorlin syndrome. Also called: Nevoid Basal Cell Carcinoma Syndrome; Basal cell nevus syndrome. Identifiers: Orphanet 377, MedGen C0004779, MONDO:0007187.

Submissions (2):

Women's Health and Genetics/Laboratory Corporation of America, LabCorp
Classification: Pathogenic for Gorlin syndrome. Last evaluated: 2025-10-09. Review status: criteria provided, single submitter. Criteria: LabCorp Variant Classification Summary - May 2015. Collection method: clinical testing. Allele origin: germline.
Comment: Variant summary: PTCH1 c.2569delG (p.Asp857MetfsX46) results in a premature termination codon, predicted to cause a truncation of the encoded protein or absence of the protein due to nonsense mediated decay, which are commonly known mechanisms for disease. The variant was absent in 251494 control chromosomes. To our knowledge, no occurrence of c.2569delG in individuals affected with PTCH1-related conditions and no experimental evidence demonstrating its impact on protein function have been reported. ClinVar contains an entry for this variant (Variation ID: 2730705). Based on the evidence outlined above, the variant was classified as pathogenic.

Labcorp Genetics (formerly Invitae), Labcorp
Classification: Pathogenic for Gorlin syndrome. Last evaluated: 2025-05-05. Review status: criteria provided, single submitter. Criteria: Invitae Variant Classification Sherloc (09022015). Collection method: clinical testing. Allele origin: germline.
Comment: This sequence change creates a premature translational stop signal (p.Asp857Metfs*46) in the PTCH1 gene. It is expected to result in an absent or disrupted protein product. Loss-of-function variants in PTCH1 are known to be pathogenic (PMID: 16301862, 16419085). This variant is not present in population databases (gnomAD no frequency). This variant has not been reported in the literature in individuals affected with PTCH1-related conditions. ClinVar contains an entry for this variant (Variation ID: 2730705). For these reasons, this variant has been classified as Pathogenic.

Literature cited by the submitters: PubMed 16301862 (cited by Labcorp Genetics (formerly Invitae), Labcorp); PubMed 16419085 (cited by Labcorp Genetics (formerly Invitae), Labcorp).